The following is an entry in ClinVar:

ClinVar aggregate classification (germline): Likely pathogenic (1 of 4 stars; one submission).

Conditions:
Developmental delay with or without dysmorphic facies and autism. Identifiers: MedGen C5193106, MONDO:0032760, OMIM 618454.

Submission:

Gharavi Laboratory, Columbia University
Classification: Likely pathogenic for Developmental delay with or without dysmorphic facies and autism. Last evaluated: 2024-11-05. Review status: criteria provided, single submitter. Criteria: ACMG Guidelines, 2015. Collection method: case-control. Allele origin: germline. Affected: yes.
Comment: Compound heterozygote with NM_001244580.2:c.310G>T

ENST00000355540

NM_001375524.1(TRRAP):c.8734G>T (p.Glu2912Ter)

Gene: TRRAP (transformation/transcription domain associated protein; plus strand). Cytogenetic location: 7q22.1.
Variant type: single nucleotide variant.
Coding change: c.8734G>T on transcript NM_001375524.1 (MANE Select); coding-DNA position 8734, G replaced by T.
Protein change: p.Glu2912Ter; replaces glutamic acid 2912 with a stop codon.
Molecular consequence: nonsense.
Genome position (GRCh38, 1-based): chr7:98,981,868, G>T. VCF-style: chr7-98981868-G-T. GRCh37 (hg19) VCF-style: chr7-98579491-G-T.
Other names: c.8713G>T, p.Glu2905Ter (NM_001244580.2); c.8659G>T, p.Glu2887Ter (NM_003496.4); short protein forms E2887*, E2905*, E2912*.
Identifiers: ClinVar variation 3899982 (VCV003899982.1).